The following is an entry in ClinVar:

NC_000002.11:g.(?_228230789)_(228230980_?)del

Gene: TM4SF20 (transmembrane 4 L six family member 20; minus strand). Cytogenetic location: 2q36.3.
Variant type: Deletion.
Identifiers: ClinVar variation 1412472 (VCV001412472.4).

ClinVar aggregate classification (germline): Uncertain significance (1 of 4 stars; one submission).

Submission:

Labcorp Genetics (formerly Invitae), Labcorp
Classification: Uncertain significance. Last evaluated: 2022-10-24. Review status: criteria provided, single submitter. Criteria: Invitae Variant Classification Sherloc (09022015). Collection method: clinical testing. Allele origin: germline.
Comment: This variant is a gross deletion of the genomic region encompassing exon(s) 3 of the TM4SF20 gene. While this deletion is not anticipated to lead to nonsense mediated decay, it is expected to disrupt the C-terminus of the protein. This variant has not been reported in the literature in individuals affected with TM4SF20-related conditions. Experimental studies and prediction algorithms are not available or were not evaluated, and the functional significance of this variant is currently unknown. In summary, the available evidence is currently insufficient to determine the role of this variant in disease. Therefore, it has been classified as a Variant of Uncertain Significance.